The following is an entry in ClinVar:

NM_001278116.2(L1CAM):c.1691_1703+3dup

Gene: L1CAM (L1 cell adhesion molecule; minus strand). Cytogenetic location: Xq28.
Variant type: Duplication.
Coding change: c.1691_1703+3dup on transcript NM_001278116.2 (MANE Select); coding-DNA position 1691 through 3 bases into the intron after coding-DNA position 1703, 16 bases duplicated (GGGACAGTGACAAGTG).
Molecular consequence: splice donor variant.
Genome position (GRCh38, 1-based): chrX:153,868,299-153,868,314, CACTTGTCACTGTCCC duplicated on the plus strand (GGGACAGTGACAAGTG on the coding strand, the reverse complement: L1CAM is on the minus strand); duplicating any 16 consecutive bases within chrX:153,868,299-153,868,316 gives the same sequence; the c. name uses the placement nearest the transcript's 3' end. VCF-style (leftmost placement, unchanged base first): chrX-153868298-T-TCACTTGTCACTGTCCC. GRCh37 (hg19) VCF-style: chrX-153133753-T-TCACTTGTCACTGTCCC.
Other names: c.1676_1688+3dup (NM_001143963.2); c.1691_1703+3dup (NM_024003.3, NM_000425.5).
Identifiers: ClinVar variation 2054897 (VCV002054897.4), dbSNP rs2520999589, ClinGen allele CA2580101859.

ClinVar aggregate classification (germline): Uncertain significance (1 of 4 stars; one submission).

Conditions:
Spastic paraplegia. Identifiers: MedGen C0037772, HP:0001258.

Submission:

Labcorp Genetics (formerly Invitae), Labcorp
Classification: Uncertain significance for Spastic paraplegia. Last evaluated: 2021-12-23. Review status: criteria provided, single submitter. Criteria: Invitae Variant Classification Sherloc (09022015). Collection method: clinical testing. Allele origin: germline.
Comment: This variant is not present in population databases (gnomAD no frequency). This sequence change falls in intron 13 of the L1CAM gene. It does not directly change the encoded amino acid sequence of the L1CAM protein. It affects a nucleotide within the consensus splice site. This variant has not been reported in the literature in individuals affected with L1CAM-related conditions. Variants that disrupt the consensus splice site are a relatively common cause of aberrant splicing (PMID: 17576681, 9536098). Algorithms developed to predict the effect of sequence changes on RNA splicing suggest that this variant may disrupt the consensus splice site. In summary, the available evidence is currently insufficient to determine the role of this variant in disease. Therefore, it has been classified as a Variant of Uncertain Significance.

Literature cited by the submitters: PubMed 17576681; PubMed 9536098.